The following is an entry in ClinVar:

ClinVar aggregate classification (germline): Conflicting classifications of pathogenicity. Review status: criteria provided, conflicting classifications (1 of 4 stars). 3 submissions from 3 submitters: Uncertain significance (1); Benign (1); Likely benign (1). Last evaluated 2025-11-18.

Conditions:
Ehlers-Danlos syndrome, classic type, 1 (EDSCL1). Also called: EHLERS-DANLOS SYNDROME, GRAVIS TYPE; EHLERS-DANLOS SYNDROME, SEVERE CLASSIC TYPE; Ehlers-Danlos syndrome, type 1; EDS I; Ehlers-Danlos Syndrome, Classic Type, COL5A1-Related. Identifiers: MedGen C0268335, MONDO:0019567, OMIM 130000.
Familial thoracic aortic aneurysm and aortic dissection (TAAD). Also called: Thoracic aortic aneurysms and dissections. Identifiers: Orphanet 91387, MedGen C4707243, MONDO:0019625.

Allele frequency attached by ClinVar (database versions not stated): ExAC 0.00002; gnomAD 0.00003 and 0.00004; gnomAD exomes 0.00002; TOPMed 0.00002.
gnomAD v4.1: 33 of 1,614,114 alleles (0.002%); highest among the groups gnomAD compares: African/African-American, 0.0053%; no homozygotes.

Submissions (3):

Labcorp Genetics (formerly Invitae), Labcorp
Classification: Benign for Ehlers-Danlos syndrome, classic type, 1. Last evaluated: 2025-11-18. Review status: criteria provided, single submitter. Criteria: Invitae Variant Classification Sherloc (09022015). Collection method: clinical testing. Allele origin: germline.

Ambry Genetics
Classification: Likely benign for Familial thoracic aortic aneurysm and aortic dissection. Last evaluated: 2024-11-09. Review status: criteria provided, single submitter. Criteria: Ambry Variant Classification Scheme 2023. Collection method: clinical testing. Allele origin: germline.

GeneDx
Classification: Uncertain significance. Last evaluated: 2020-10-20. Review status: criteria provided, single submitter. Criteria: GeneDx Variant Classification Process June 2021. Collection method: clinical testing. Allele origin: germline. Affected: yes.
Comment: Has not been previously published as pathogenic or benign to our knowledge; In silico analysis supports that this missense variant does not alter protein structure/function; Not located in the triple helical region, where the majority of pathogenic missense variants occur (Symoens et al., 2012; Stenson et al., 2014)

NM_000093.5(COL5A1):c.997G>A (p.Val333Ile)

Gene: COL5A1 (collagen type V alpha 1 chain; plus strand). Cytogenetic location: 9q34.3.
Variant type: single nucleotide variant.
Coding change: c.997G>A on transcript NM_000093.5 (MANE Select); coding-DNA position 997, G replaced by A.
Protein change: p.Val333Ile; replaces valine 333 with isoleucine.
Molecular consequence: missense variant.
Genome position (GRCh38, 1-based): chr9:134,730,308, G>A. VCF-style: chr9-134730308-G-A. GRCh37 (hg19) VCF-style: chr9-137622154-G-A.
Other names: c.997G>A, p.Val333Ile (NM_001278074.1); short protein forms V333I.
Identifiers: ClinVar variation 1317388 (VCV001317388.7), dbSNP rs762624092, ClinGen allele CA5318613.